The following is an entry in ClinVar:

NM_020937.4(FANCM):c.2066A>G (p.Asn689Ser)

Gene: FANCM (FA complementation group M; plus strand). Cytogenetic location: 14q21.2.
Variant type: single nucleotide variant.
Coding change: c.2066A>G on transcript NM_020937.4 (MANE Select); coding-DNA position 2066, A replaced by G.
Protein change: p.Asn689Ser; replaces asparagine 689 with serine.
Molecular consequence: missense variant.
Genome position (GRCh38, 1-based): chr14:45,170,652, A>G. VCF-style: chr14-45170652-A-G. GRCh37 (hg19) VCF-style: chr14-45639855-A-G.
Other names: c.1988A>G, p.Asn663Ser (NM_001308133.2); c.2066A>G (NM_020937.2); short protein forms N689S, N663S.
Identifiers: ClinVar variation 1450032 (VCV001450032.9), dbSNP rs1317308859, ClinGen allele CA389596003.

ClinVar aggregate classification (germline): Uncertain significance. Review status: criteria provided, multiple submitters, no conflicts (2 of 4 stars). 2 submissions from 2 submitters: Uncertain significance (2). Last evaluated 2024-10-26.

Conditions:
Fanconi anemia (FA). Also called: Fanconi's anemia. Identifiers: Orphanet 84, MedGen C0015625, MeSH D005199, MONDO:0019391.

Allele frequency attached by ClinVar (database versions not stated): gnomAD exomes below 0.00001 and 0.00001; TOPMed below 0.00001; gnomAD 0.00001.
gnomAD v4.1: 8 of 1,603,308 alleles (0.0005%); no homozygotes.

Submissions (2):

Labcorp Genetics (formerly Invitae), Labcorp
Classification: Uncertain significance for Fanconi anemia. Last evaluated: 2024-10-26. Review status: criteria provided, single submitter. Criteria: Invitae Variant Classification Sherloc (09022015). Collection method: clinical testing. Allele origin: germline.
Comment: This sequence change replaces asparagine, which is neutral and polar, with serine, which is neutral and polar, at codon 689 of the FANCM protein (p.Asn689Ser). This variant is present in population databases (no rsID available, gnomAD 0.01%). This variant has not been reported in the literature in individuals affected with FANCM-related conditions. ClinVar contains an entry for this variant (Variation ID: 1450032). An algorithm developed to predict the effect of missense changes on protein structure and function outputs the following: PolyPhen-2: "Benign". The serine amino acid residue is found in multiple mammalian species, which suggests that this missense change does not adversely affect protein function. In summary, the available evidence is currently insufficient to determine the role of this variant in disease. Therefore, it has been classified as a Variant of Uncertain Significance.

GeneDx
Classification: Uncertain significance. Last evaluated: 2024-03-06. Review status: criteria provided, single submitter. Criteria: GeneDx Variant Classification Process June 2021. Collection method: clinical testing. Allele origin: germline. Affected: yes.
Comment: Not observed at significant frequency in large population cohorts (gnomAD); In silico analysis supports that this missense variant has a deleterious effect on protein structure/function; Observed in at least one individual with breast and/or ovarian cancer with a reported BRCA1 variant (PMID: 22347400); This variant is associated with the following publications: (PMID: 22347400)